The following is an entry in ClinVar:

NM_033026.6(PCLO):c.10951A>G (p.Ile3651Val)

Gene: PCLO (piccolo presynaptic cytomatrix protein; minus strand). Cytogenetic location: 7q21.11.
Variant type: single nucleotide variant.
Coding change: c.10951A>G on transcript NM_033026.6 (MANE Select); coding-DNA position 10951, A replaced by G.
Protein change: p.Ile3651Val; replaces isoleucine 3651 with valine.
Molecular consequence: missense variant.
Genome position (GRCh38, 1-based): chr7:82,949,637, T>C on the plus strand (A>G on the coding strand, the complement: PCLO is on the minus strand). VCF-style: chr7-82949637-T-C. GRCh37 (hg19) VCF-style: chr7-82578953-T-C.
Other names: c.10951A>G, p.Ile3651Val (NM_014510.3); short protein forms I3651V.
Identifiers: ClinVar variation 1352346 (VCV001352346.3), dbSNP rs764596081, ClinGen allele CA4319652.
Genomic context (GRCh38, chr7:82,949,637, plus strand): 5'-TCTTAGGACTTGCTGGGGGAACTTTAGCCATATCTGGATGCAGTACTTTCTGTGGACTTA[T>C]ATCATCAGGGAGGGGTTTTTCATAAGGTACAAAGGCTGATTCTAAGGCTTTGCCTGGTGA-3'
Protein context (NP_149015.2, residues 3641-3661): VPYEKPLPDD[Ile3651Val]SPQKVLHPDM

ClinVar aggregate classification (germline): Uncertain significance (1 of 4 stars; one submission).

Allele frequency attached by ClinVar (database versions not stated): ExAC 0.00001; gnomAD 0.00001; gnomAD exomes 0.00001; TOPMed 0.00001.
gnomAD v4.1: 14 of 1,613,884 alleles (0.00087%); highest among the groups gnomAD compares: East Asian, 0.0045%; no homozygotes.

Submission:

Labcorp Genetics (formerly Invitae), Labcorp
Classification: Uncertain significance. Last evaluated: 2022-03-22. Review status: criteria provided, single submitter. Criteria: Invitae Variant Classification Sherloc (09022015). Collection method: clinical testing. Allele origin: germline.
Comment: This sequence change replaces isoleucine, which is neutral and non-polar, with valine, which is neutral and non-polar, at codon 3651 of the PCLO protein (p.Ile3651Val). This variant is present in population databases (rs764596081, gnomAD 0.005%). This variant has not been reported in the literature in individuals affected with PCLO-related conditions. Algorithms developed to predict the effect of missense changes on protein structure and function output the following: SIFT: "Tolerated"; PolyPhen-2: "Not Available"; Align-GVGD: "Class C0". The valine amino acid residue is found in multiple mammalian species, which suggests that this missense change does not adversely affect protein function. Algorithms developed to predict the effect of sequence changes on RNA splicing suggest that this variant may create or strengthen a splice site. In summary, the available evidence is currently insufficient to determine the role of this variant in disease. Therefore, it has been classified as a Variant of Uncertain Significance.